The following is an entry in ClinVar:

NM_014003.4(DHX38):c.635G>T (p.Arg212Met)

Gene: DHX38 (DEAH-box helicase 38; plus strand). Cytogenetic location: 16q22.2.
Variant type: single nucleotide variant.
Coding change: c.635G>T on transcript NM_014003.4 (MANE Select); coding-DNA position 635, G replaced by T.
Protein change: p.Arg212Met; replaces arginine 212 with methionine.
Molecular consequence: missense variant.
Genome position (GRCh38, 1-based): chr16:72,098,663, G>T. VCF-style: chr16-72098663-G-T. GRCh37 (hg19) VCF-style: chr16-72132562-G-T.
Other names: short protein forms R212M.
Identifiers: ClinVar variation 1004682 (VCV001004682.8), dbSNP rs2042053958, ClinGen allele CA396702549.
Genomic context (GRCh38, chr16:72,098,663, plus strand): 5'-TTAAGTGAGATGTTTCCTGTGGATGTGTCTTTTGTGGCCCAGATGCAGCCACCCCTTCAA[G>T]GTCTACCTGGGAGGAAGAGGACAGTGGCTATGGCTCCTCAAGGCGCTCACAGTGGGAATC-3'
Protein context (NP_054722.2, residues 202-222): HRPKDAATPS[Arg212Met]STWEEEDSGY

ClinVar aggregate classification (germline): Uncertain significance (1 of 4 stars; one submission).

Submission:

Labcorp Genetics (formerly Invitae), Labcorp
Classification: Uncertain significance. Last evaluated: 2020-09-04. Review status: criteria provided, single submitter. Criteria: Invitae Variant Classification Sherloc (09022015). Collection method: clinical testing. Allele origin: germline.
Comment: In summary, the available evidence is currently insufficient to determine the role of this variant in disease. Therefore, it has been classified as a Variant of Uncertain Significance. This sequence change replaces arginine with methionine at codon 212 of the DHX38 protein (p.Arg212Met). The arginine residue is highly conserved and there is a moderate physicochemical difference between arginine and methionine. This variant is not present in population databases (ExAC no frequency). This variant has not been reported in the literature in individuals with DHX38-related conditions. Algorithms developed to predict the effect of missense changes on protein structure and function are either unavailable or do not agree on the potential impact of this missense change (SIFT: "Deleterious"; PolyPhen-2: "Possibly Damaging"; Align-GVGD: "Class C15").